The following is an entry in ClinVar:

ClinVar aggregate classification (germline): Uncertain significance (1 of 4 stars; one submission).

Conditions:
Aicardi-Goutieres syndrome 2. Identifiers: Orphanet 51, MedGen C3489724, MONDO:0012429, OMIM 610181.

gnomAD v4.1: 7 of 1,613,816 alleles (0.00043%); highest among the groups gnomAD compares: Non-Finnish European, 0.00051%; no homozygotes.

Submission:

Labcorp Genetics (formerly Invitae), Labcorp
Classification: Uncertain significance for Aicardi-Goutieres syndrome 2. Last evaluated: 2025-04-17. Review status: criteria provided, single submitter. Criteria: Invitae Variant Classification Sherloc (09022015). Collection method: clinical testing. Allele origin: germline.
Comment: This sequence change replaces valine, which is neutral and non-polar, with leucine, which is neutral and non-polar, at codon 118 of the RNASEH2B protein (p.Val118Leu). This variant is present in population databases (rs753716315, gnomAD 0.0009%). This variant has not been reported in the literature in individuals affected with RNASEH2B-related conditions. ClinVar contains an entry for this variant (Variation ID: 3677733). Invitae Evidence Modeling of protein sequence and biophysical properties (such as structural, functional, and spatial information, amino acid conservation, physicochemical variation, residue mobility, and thermodynamic stability) has been performed for this missense variant. However, the output from this modeling did not meet the statistical confidence thresholds required to predict the impact of this variant on RNASEH2B protein function. In summary, the available evidence is currently insufficient to determine the role of this variant in disease. Therefore, it has been classified as a Variant of Uncertain Significance.

NM_024570.4(RNASEH2B):c.352G>C (p.Val118Leu)

Gene: RNASEH2B (ribonuclease H2 subunit B; plus strand). Cytogenetic location: 13q14.3.
Variant type: single nucleotide variant.
Coding change: c.352G>C on transcript NM_024570.4 (MANE Select); coding-DNA position 352, G replaced by C.
Protein change: p.Val118Leu; replaces valine 118 with leucine.
Molecular consequence: missense variant.
Genome position (GRCh38, 1-based): chr13:50,934,915, G>C. VCF-style: chr13-50934915-G-C. GRCh37 (hg19) VCF-style: chr13-51509051-G-C.
Other names: c.352G>C, p.Val118Leu (NM_001142279.2, NM_001411023.1); short protein forms V118L.
Identifiers: ClinVar variation 3677733 (VCV003677733.2).
Genomic context (GRCh38, chr13:50,934,915, plus strand): 5'-TGCTTGCTTTCCAACTAACTGTTTTTTCAGGGGAAGTTTCAGCCCCTTGATCAAGTTGTG[G>C]TGGATAACGTGTTTCCAAATTGCATCTTGTTGCTGAAACTTCCTGGACTTGAGAAGTTAC-3'
Protein context (NP_078846.2, residues 108-128): GKFQPLDQVV[Val118Leu]DNVFPNCILL